The following is an entry in ClinVar:

NM_001077365.2(POMT1):c.151A>T (p.Ile51Phe)

Gene: POMT1 (protein O-mannosyltransferase 1; plus strand). Cytogenetic location: 9q34.13.
Variant type: single nucleotide variant.
Coding change: c.151A>T on transcript NM_001077365.2 (MANE Select); coding-DNA position 151, A replaced by T.
Protein change: p.Ile51Phe; replaces isoleucine 51 with phenylalanine.
Molecular consequence: missense variant. On other transcripts: 5 prime UTR variant (6), non-coding transcript variant (7), intron variant (8).
Genome position (GRCh38, 1-based): chr9:131,506,142, A>T. VCF-style: chr9-131506142-A-T. GRCh37 (hg19) VCF-style: chr9-134381529-A-T.
Other names: c.-12A>T (NM_001077366.2, NM_001353194.2, NM_001353197.2 and 3 more transcripts); c.151A>T, p.Ile51Phe (NM_001136113.2, NM_001353193.2, NM_001374690.1 and 1 more transcripts); c.-71-1226A>T (NM_001374691.1, NM_001374692.1); c.123-261A>T (NM_001353196.2); c.-122-261A>T (NM_001353195.2, NM_001353199.2, NM_001136114.2); c.-30+1802A>T (NM_001374695.1); c.-80-261A>T (NM_001353200.2); short protein forms I51F.
Identifiers: ClinVar variation 291107 (VCV000291107.13), dbSNP rs886044651, ClinGen allele CA10607018.

ClinVar aggregate classification (germline): Uncertain significance. Review status: criteria provided, multiple submitters, no conflicts (2 of 4 stars). 3 submissions from 3 submitters: Uncertain significance (3). Last evaluated 2022-03-24.

Conditions:
Walker-Warburg congenital muscular dystrophy. Also called: Muscular dystrophy-dystroglycanopathy, type A; Walker-Warburg syndrome. Identifiers: Orphanet 899, MedGen C0265221, MONDO:0000171.
Muscular dystrophy-dystroglycanopathy (congenital with impaired intellectual development), type B, 1. Also called: Muscular dystrophy-dystroglycanopathy (congenital with intellectual disability), type B1; MUSCULAR DYSTROPHY, CONGENITAL, POMT1-RELATED. Identifiers: MedGen C5436962, MONDO:0013159, OMIM 613155.
Autosomal recessive limb-girdle muscular dystrophy type 2K. Also called: MUSCULAR DYSTROPHY-DYSTROGLYCANOPATHY (LIMB-GIRDLE), TYPE C, 1; MUSCULAR DYSTROPHY, LIMB-GIRDLE, TYPE 2K. Identifiers: Orphanet 86812, MedGen C1836373, MONDO:0012248, OMIM 609308.
Muscular dystrophy-dystroglycanopathy (congenital with brain and eye anomalies), type A1 (MDDGA1). Also called: Muscular dystrophy-dystroglycanopathy (congenital with brain and eye anomalies), type A, 1; WALKER-WARBURG SYNDROME OR MUSCLE-EYE-BRAIN DISEASE, POMT1-RELATED; Hydrocephalus, agyria and retinal dysplasia; Hard +/- E syndrome; Warburg syndrome; Chemke syndrome. Identifiers: Orphanet 588, Orphanet 899, MedGen C4284790, MONDO:0009364, OMIM 236670.

Submissions (3):

MGZ Medical Genetics Center
Classification: Uncertain significance for Muscular dystrophy-dystroglycanopathy (congenital with brain and eye anomalies), type A1. Last evaluated: 2022-03-24. Review status: criteria provided, single submitter. Criteria: ACMG Guidelines, 2015. Collection method: clinical testing. Allele origin: germline. Affected: yes. Observed: 2 variant alleles.
Comment: ACMG criteria applied: PM2_SUP, PP3

Labcorp Genetics (formerly Invitae), Labcorp
Classification: Uncertain significance for Muscular dystrophy-dystroglycanopathy (congenital with impaired intellectual development), type B, 1; Walker-Warburg congenital muscular dystrophy; Autosomal recessive limb-girdle muscular dystrophy type 2K. Last evaluated: 2022-01-14. Review status: criteria provided, single submitter. Criteria: Invitae Variant Classification Sherloc (09022015). Collection method: clinical testing. Allele origin: germline.
Comment: In summary, the available evidence is currently insufficient to determine the role of this variant in disease. Therefore, it has been classified as a Variant of Uncertain Significance. Algorithms developed to predict the effect of missense changes on protein structure and function are either unavailable or do not agree on the potential impact of this missense change (SIFT: "Tolerated"; PolyPhen-2: "Possibly Damaging"; Align-GVGD: "Class C0"). ClinVar contains an entry for this variant (Variation ID: 291107). This sequence change replaces isoleucine, which is neutral and non-polar, with phenylalanine, which is neutral and non-polar, at codon 51 of the POMT1 protein (p.Ile51Phe). This variant is not present in population databases (gnomAD no frequency). This missense change has been observed in individual(s) with clinical features of POMT1-related conditions (Invitae). In at least one individual the data is consistent with being in trans (on the opposite chromosome) from a pathogenic variant.

Eurofins Ntd Llc (ga)
Classification: Uncertain significance. Last evaluated: 2016-09-01. Review status: criteria provided, single submitter. Criteria: EGL Classification Definitions 2015. Collection method: clinical testing. Allele origin: germline. Observed: 1 variant allele, 1 heterozygote.